The following is an entry in ClinVar:

NM_001032283.3(TMPO):c.565+1615_565+1616del

Gene: TMPO (thymopoietin; plus strand). Cytogenetic location: 12q23.1.
Variant type: Microsatellite.
Coding change: c.565+1615_565+1616del on transcript NM_001032283.3 (MANE Select); bases 1615 to 1616 of the intron after coding-DNA position 565, 2 bases deleted (CT; older notation c.565+1615_565+1616delCT).
Molecular consequence: intron variant. On other transcripts: frameshift variant (1).
Genome position (GRCh38, 1-based): chr12:98,533,453-98,533,454, CT deleted; deleting any 2 consecutive bases within chr12:98,533,451-98,533,454 gives the same sequence; the c. name uses the placement nearest the transcript's 3' end. VCF-style (leftmost placement, unchanged base first): chr12-98533450-ACT-A. GRCh37 (hg19) VCF-style: chr12-98927228-ACT-A.
Other names: c.1196_1197del, p.Ser399fs (NM_003276.2); c.565+1615_565+1616del (NM_001307975.2, NM_001032284.3); short protein forms S399fs.
Identifiers: ClinVar variation 3725249 (VCV003725249.2).
Genomic context (GRCh38, chr12:98,533,450, plus strand): 5'-GAGATTATGTCAATTCTCTGTTGGTCCAGGGTGGGGTAGGTAGTTTGCCTGGAACTTCTA[ACT>A]CTATGCCCCCACTGGATGTAGAAAACATACAGAAGAGAATTGATCAGTCTAAGTTTCAAG-3'

ClinVar aggregate classification (germline): Uncertain significance (1 of 4 stars; one submission).

Conditions:
Loeys-Dietz syndrome 2 (LDS2). Also called: Marfan syndrome, type 2 (formerly); Marfan Syndrome type 2; Marfan like connective tissue disorder; MFS 2; TGFBR2-Related Loeys-Dietz Syndrome; AORTIC ANEURYSM, FAMILIAL THORACIC 3. Identifiers: Orphanet 284973, Orphanet 558, MedGen C2674574, MONDO:0012427, OMIM 610168.

Submission:

Labcorp Genetics (formerly Invitae), Labcorp
Classification: Uncertain significance for Loeys-Dietz syndrome 2. Last evaluated: 2024-06-28. Review status: criteria provided, single submitter. Criteria: Invitae Variant Classification Sherloc (09022015). Collection method: clinical testing. Allele origin: germline.
Comment: This sequence change creates a premature translational stop signal (p.Ser399Tyrfs*14) in the TMPO gene. While this is not anticipated to result in nonsense mediated decay, it is expected to disrupt the last 296 amino acid(s) of the TMPO protein. This variant is present in population databases (rs760822782, gnomAD 0.003%). This variant has not been reported in the literature in individuals affected with TMPO-related conditions. In summary, the available evidence is currently insufficient to determine the role of this variant in disease. Therefore, it has been classified as a Variant of Uncertain Significance.